The following is an entry in ClinVar:

ClinVar aggregate classification (germline): Uncertain significance. Review status: criteria provided, multiple submitters, no conflicts (2 of 4 stars). 3 submissions from 3 submitters: Uncertain significance (3). Last evaluated 2025-08-05.

Conditions:
Inborn genetic diseases. Identifiers: MedGen C0950123, MeSH D030342.
Brachyolmia-amelogenesis imperfecta syndrome. Also called: PLATYSPONDYLY WITH AMELOGENESIS IMPERFECTA; Tooth agenesis, selective, 6; Dental anomalies and short stature. Identifiers: Orphanet 2899, MedGen C1832594, MONDO:0011018, OMIM 601216. Disease mechanism: loss of function.

Allele frequency attached by ClinVar (database versions not stated): TOPMed below 0.00001; gnomAD 0.00001; ESP Exome Variant Server 0.00008.
gnomAD v4.1: 22 of 1,552,686 alleles (0.0014%); highest among the groups gnomAD compares: Non-Finnish European, 0.0018%; no homozygotes.

Submissions (3):

Ambry Genetics
Classification: Uncertain significance for Inborn genetic diseases. Last evaluated: 2025-08-05. Review status: criteria provided, single submitter. Criteria: Ambry Variant Classification Scheme 2023. Collection method: clinical testing. Allele origin: germline.

Labcorp Genetics (formerly Invitae), Labcorp
Classification: Uncertain significance for Brachyolmia-amelogenesis imperfecta syndrome. Last evaluated: 2024-10-17. Review status: criteria provided, single submitter. Criteria: Invitae Variant Classification Sherloc (09022015). Collection method: clinical testing. Allele origin: germline.
Comment: This sequence change replaces arginine, which is basic and polar, with leucine, which is neutral and non-polar, at codon 1222 of the LTBP3 protein (p.Arg1222Leu). The frequency data for this variant in the population databases is considered unreliable, as metrics indicate poor data quality at this position in the gnomAD database. This variant has not been reported in the literature in individuals affected with LTBP3-related conditions. ClinVar contains an entry for this variant (Variation ID: 2641959). An algorithm developed to predict the effect of missense changes on protein structure and function (PolyPhen-2) suggests that this variant is likely to be disruptive. In summary, the available evidence is currently insufficient to determine the role of this variant in disease. Therefore, it has been classified as a Variant of Uncertain Significance.

CeGaT Center for Human Genetics Tuebingen
Classification: Uncertain significance. Last evaluated: 2023-01-01. Review status: criteria provided, single submitter. Criteria: CeGaT Center For Human Genetics Tuebingen Variant Classification Criteria Version 2. Collection method: clinical testing. Allele origin: germline. Affected: yes. Observed: 1 variant allele.
Comment: LTBP3: PM2, PP3

NM_001130144.3(LTBP3):c.3665G>T (p.Arg1222Leu)

Gene: LTBP3 (latent transforming growth factor beta binding protein 3; minus strand). Cytogenetic location: 11q13.1.
Variant type: single nucleotide variant.
Coding change: c.3665G>T on transcript NM_001130144.3 (MANE Select); coding-DNA position 3665, G replaced by T.
Protein change: p.Arg1222Leu; replaces arginine 1222 with leucine.
Molecular consequence: missense variant.
Genome position (GRCh38, 1-based): chr11:65,539,423, C>A on the plus strand (G>T on the coding strand, the complement: LTBP3 is on the minus strand). VCF-style: chr11-65539423-C-A. GRCh37 (hg19) VCF-style: chr11-65306894-C-A.
Other names: c.3173G>T, p.Arg1058Leu (NM_001164266.1); c.3524G>T, p.Arg1175Leu (NM_021070.4); c.3665G>T (NM_001130144.2); short protein forms R1058L, R1175L, R1222L.
Identifiers: ClinVar variation 2641959 (VCV002641959.27), dbSNP rs375173614, ClinGen allele CA224008287.
Genomic context (GRCh38, chr11:65,539,423, plus strand): 5'-CCGCCGGGACACTCGCACACGGCGCCGCCCGGCCGCGGCACGCAGCGGCCACTCACGCAG[C>A]GACACTCGTCTGAATCCTCCTCTGAACTGTCCTCATCTGCGTGGCCCGGAACAATATGGA-3'
Protein context (NP_001123616.1, residues 1212-1232): DSSEEDSDEC[Arg1222Leu]CVSGRCVPRP